The following is an entry in ClinVar:

ClinVar aggregate classification (germline): Uncertain significance. Review status: criteria provided, multiple submitters, no conflicts (2 of 4 stars). 2 submissions from 2 submitters: Uncertain significance (2). Last evaluated 2025-07-16.

Allele frequency attached by ClinVar (database versions not stated): gnomAD exomes below 0.00001; ExAC 0.00001; gnomAD 0.00001; 1000 Genomes Project 30x 0.00016; 1000 Genomes Project 0.00020.
gnomAD v4.1: 13 of 1,593,244 alleles (0.00082%); highest among the groups gnomAD compares: South Asian, 0.01%; no homozygotes.

Submissions (2):

Ambry Genetics
Classification: Uncertain significance. Last evaluated: 2025-07-16. Review status: criteria provided, single submitter. Criteria: Ambry Variant Classification Scheme 2023. Collection method: clinical testing. Allele origin: germline.

Labcorp Genetics (formerly Invitae), Labcorp
Classification: Uncertain significance. Last evaluated: 2024-04-05. Review status: criteria provided, single submitter. Criteria: Invitae Variant Classification Sherloc (09022015). Collection method: clinical testing. Allele origin: germline.
Comment: This sequence change replaces proline, which is neutral and non-polar, with alanine, which is neutral and non-polar, at codon 108 of the POLE2 protein (p.Pro108Ala). This variant is present in population databases (rs527664455, gnomAD 0.003%). This variant has not been reported in the literature in individuals affected with POLE2-related conditions. ClinVar contains an entry for this variant (Variation ID: 1396299). An algorithm developed to predict the effect of missense changes on protein structure and function (PolyPhen-2) suggests that this variant is likely to be tolerated. In summary, the available evidence is currently insufficient to determine the role of this variant in disease. Therefore, it has been classified as a Variant of Uncertain Significance.

NM_002692.4(POLE2):c.322C>G (p.Pro108Ala)

Gene: POLE2 (DNA polymerase epsilon 2, accessory subunit; minus strand). Cytogenetic location: 14q21.3.
Variant type: single nucleotide variant.
Coding change: c.322C>G on transcript NM_002692.4 (MANE Select); coding-DNA position 322, C replaced by G.
Protein change: p.Pro108Ala; replaces proline 108 with alanine.
Molecular consequence: missense variant. On other transcripts: intron variant (1).
Genome position (GRCh38, 1-based): chr14:49,674,351, G>C on the plus strand (C>G on the coding strand, the complement: POLE2 is on the minus strand). VCF-style: chr14-49674351-G-C. GRCh37 (hg19) VCF-style: chr14-50141069-G-C.
Other names: c.322C>G (NM_002692.3); c.322C>G, p.Pro108Ala (NM_001197331.3, NM_001348384.2); c.91C>G, p.Pro31Ala (NM_001348385.2); c.246-135C>G (NM_001197330.2); short protein forms P31A, P108A.
Identifiers: ClinVar variation 1396299 (VCV001396299.7), dbSNP rs527664455, ClinGen allele CA7173668.
Genomic context (GRCh38, chr14:49,674,351, plus strand): 5'-CCTTCTGAAAAAAAAAGTACATTTGAAATTAATTTAAAATCAGTGGATGACATACTTACG[G>C]AAGAAATTTTTTTCTTTCTGAATTGTACACAAAGCGTGGAATATCAAATGCTCCTATGAT-3'
Protein context (NP_002683.2, residues 98-118): VYNSERKKFL[Pro108Ala]LLMTNHPAPN